The following is an entry in ClinVar:

NC_012920.1(MT-ND4L):m.10579T>C

Gene: MT-ND4L (mitochondrially encoded NADH dehydrogenase 4L; plus strand).
Variant type: single nucleotide variant.
Genome position: chrM-10579-T-C.
Identifiers: ClinVar variation 693298 (VCV000693298.1), dbSNP rs1603222900, ClinGen allele CA414805923.

ClinVar aggregate classification (germline): Uncertain significance (1 of 4 stars; one submission).

Conditions:
Leigh syndrome (NULS). Also called: Leigh's necrotizing encephalopathy; Leigh's disease; Leigh Syndrome (mtDNA deletion); Leigh Disease; Subacute necrotizing encephalopathy; Necrotizing encephalopathy infantile subacute of Leigh. Identifiers: Orphanet 506, MedGen C2931891, MONDO:0009723, OMIM 256000.

Submission:

Wong Mito Lab, Molecular and Human Genetics, Baylor College of Medicine
Classification: Uncertain significance for Leigh syndrome. Last evaluated: 2019-10-17. Review status: criteria provided, single submitter. Criteria: Modified ACMG Guidelines (Unpublished). Collection method: clinical testing. Allele origin: germline.
Comment: The NC_012920.1:m.10579T>C (YP_003024034.1:p.Met37Thr) variant in MTND4L gene is interpretated to be a Uncertain Significance variant based on the modified ACMG guidelines (unpublished). This variant meets the following evidence codes: BP4, PP7